The following is an entry in ClinVar:

ClinVar aggregate classification (germline): Pathogenic (1 of 4 stars; one submission).

Submission:

Labcorp Genetics (formerly Invitae), Labcorp
Classification: Pathogenic. Last evaluated: 2023-01-20. Review status: criteria provided, single submitter. Criteria: Invitae Variant Classification Sherloc (09022015). Collection method: clinical testing. Allele origin: germline.
Comment: For these reasons, this variant has been classified as Pathogenic. This variant has not been reported in the literature in individuals affected with NBAS-related conditions. This variant is not present in population databases (gnomAD no frequency). This sequence change creates a premature translational stop signal (p.Ala2182Valfs*5) in the NBAS gene. It is expected to result in an absent or disrupted protein product. Loss-of-function variants in NBAS are known to be pathogenic (PMID: 26073778, 26541327, 27789416, 28031453).

Literature cited by the submitters: PubMed 26073778; PubMed 26541327; PubMed 27789416; PubMed 28031453.

NM_015909.4(NBAS):c.6545del (p.Ala2182fs)

Gene: NBAS (NBAS subunit of NRZ tethering complex; minus strand). Cytogenetic location: 2p24.3.
Variant type: Deletion.
Coding change: c.6545del on transcript NM_015909.4 (MANE Select); coding-DNA position 6545, one base deleted (C; older notation c.6545delC).
Protein change: p.Ala2182fs; shifts the reading frame from alanine 2182.
Molecular consequence: frameshift variant. On other transcripts: non-coding transcript variant (1).
Genome position (GRCh38, 1-based): chr2:15,190,291, G deleted on the plus strand (C on the coding strand, the reverse complement: NBAS is on the minus strand). VCF-style (leftmost placement, unchanged base first): chr2-15190290-AG-A. GRCh37 (hg19) VCF-style: chr2-15330414-AG-A.
Other names: short protein forms A2182fs.
Identifiers: ClinVar variation 2024408 (VCV002024408.4), dbSNP rs2528030429, ClinGen allele CA2580063614.